The following is an entry in ClinVar:

NM_017617.5(NOTCH1):c.2928C>T (p.Ser976=)

Gene: NOTCH1 (notch receptor 1; minus strand). Cytogenetic location: 9q34.3.
Variant type: single nucleotide variant.
Coding change: c.2928C>T on transcript NM_017617.5 (MANE Select); coding-DNA position 2928, C replaced by T.
Protein change: p.Ser976=; no amino-acid change (serine 976 retained).
Molecular consequence: synonymous variant.
Genome position (GRCh38, 1-based): chr9:136,509,774, G>A on the plus strand (C>T on the coding strand, the complement: NOTCH1 is on the minus strand). VCF-style: chr9-136509774-G-A. GRCh37 (hg19) VCF-style: chr9-139404226-G-A.
Identifiers: ClinVar variation 700341 (VCV000700341.16), dbSNP rs534911025, ClinGen allele CA5341109.
Genomic context (GRCh38, chr9:136,509,774, plus strand): 5'-TCACTCGAGCCCCGCACACCTCTCTGTGCAGTCAGGCGTGTTGTTCTCACAGTGGATCCC[G>A]CTGAAGCCTGCGGGGCAGGTGCACGTGTAGCTGTCCACGCAGTCCGTGCAGTTGGCCCCG-3'
Protein context (NP_060087.3, residues 966-986): SYTCTCPAGF[Ser976=]GIHCENNTPD

ClinVar aggregate classification (germline): Likely benign. Review status: criteria provided, multiple submitters, no conflicts (2 of 4 stars). 3 submissions from 3 submitters: Likely benign (3). Last evaluated 2025-08-09.

Conditions:
Adams-Oliver syndrome 5 (AOS5). Identifiers: Orphanet 974, MedGen C4014970, MONDO:0014459, OMIM 616028.
Familial thoracic aortic aneurysm and aortic dissection (TAAD). Also called: Thoracic aortic aneurysms and dissections. Identifiers: Orphanet 91387, MedGen C4707243, MONDO:0019625.

Allele frequency attached by ClinVar (database versions not stated): TOPMed 0.00001; gnomAD 0.00002; ExAC 0.00003; gnomAD exomes 0.00004; 1000 Genomes Project 30x 0.00016; 1000 Genomes Project 0.00020.
gnomAD v4.1: 56 of 1,613,074 alleles (0.0035%); highest among the groups gnomAD compares: Middle Eastern, 0.016%; no homozygotes.

Submissions (3):

Labcorp Genetics (formerly Invitae), Labcorp
Classification: Likely benign for Adams-Oliver syndrome 5. Last evaluated: 2025-08-09. Review status: criteria provided, single submitter. Criteria: Invitae Variant Classification Sherloc (09022015). Collection method: clinical testing. Allele origin: germline.

CeGaT Center for Human Genetics Tuebingen
Classification: Likely benign. Last evaluated: 2025-04-01. Review status: criteria provided, single submitter. Criteria: CeGaT Center For Human Genetics Tuebingen Variant Classification Criteria Version 2. Collection method: clinical testing. Allele origin: germline. Affected: yes. Observed: 1 variant allele.
Comment: NOTCH1: BP4, BP7

Ambry Genetics
Classification: Likely benign for Familial thoracic aortic aneurysm and aortic dissection. Last evaluated: 2024-08-07. Review status: criteria provided, single submitter. Criteria: Ambry Variant Classification Scheme 2023. Collection method: clinical testing. Allele origin: germline.